The following is an entry in ClinVar:

NM_003924.4(PHOX2B):c.242-5_268dup

Gene: PHOX2B (paired like homeobox 2B; minus strand). Cytogenetic location: 4p13.
Variant type: Duplication.
Coding change: c.242-5_268dup on transcript NM_003924.4 (MANE Select); 5 bases into the intron before coding-DNA position 242 through coding-DNA position 268, 32 bases duplicated.
Molecular consequence: splice acceptor variant.
Genome position (GRCh38, 1-based): chr4:41,747,510-41,747,541, 32 bases duplicated. GRCh37 (hg19): chr4:41,749,527-41,749,558.
Identifiers: ClinVar variation 4530362 (VCV004530362.1).
Genomic context (GRCh38, chr4:41,747,509, plus strand): 5'-AGCTGGGCACTGGTGAAAGTGGTGCGGATGCGCCGCTGCTTGCGCTTCTCGTTGAGGCCG[C>CCGTGGTCCGTGAAGAGTTTGTAAGGAACTAGA]CGTGGTCCGTGAAGAGTTTGTAAGGAACTAGAGTATGACAGAGGAGACAGAAAGTGAGCA-3'

ClinVar aggregate classification (somatic clinical impact): Tier II - Potential (1 of 4 stars; one submission).

Conditions:
Neuroblastoma (NB). Identifiers: Orphanet 635, MedGen C0027819, MeSH D009447, MONDO:0005072, HP:0003006.

Submission:

Institute for Genomic Medicine (IGM) Clinical Laboratory, Nationwide Children's Hospital
Classification: Tier II - Potential for Neuroblastoma. Assertion type: diagnostic. Clinical significance: supports diagnosis. Last evaluated: 2025-06-11. Review status: criteria provided, single submitter. Criteria: AMP/ASCO/CAP Guidelines, 2017. Collection method: clinical testing. Allele origin: somatic. Affected: yes.
Comment: Variant has Tier II (potential) clinical significance as a diagnostic inclusion criterion in neuroblastoma, based on the following evidence: 1) Information in the literature supports potential biologic effect of variant. 2) Diagnostic significance based on multiple small studies (Evidence Level C; PMIDs: 15516980, 33056981, 30523111, 28915622).

Literature cited by the submitters: PubMed 15516980; PubMed 33056981; PubMed 30523111; PubMed 28915622.